The following is an entry in ClinVar:

NM_015973.5(GAL):c.316G>A (p.Asp106Asn)

Gene: GAL (galanin and GMAP prepropeptide; plus strand). Cytogenetic location: 11q13.2.
Variant type: single nucleotide variant.
Coding change: c.316G>A on transcript NM_015973.5 (MANE Select); coding-DNA position 316, G replaced by A.
Protein change: p.Asp106Asn; replaces aspartic acid 106 with asparagine.
Molecular consequence: missense variant.
Genome position (GRCh38, 1-based): chr11:68,690,931, G>A. VCF-style: chr11-68690931-G-A. GRCh37 (hg19) VCF-style: chr11-68458399-G-A.
Other names: short protein forms D106N.
Identifiers: ClinVar variation 864078 (VCV000864078.11), dbSNP rs375918368, ClinGen allele CA6151549.

ClinVar aggregate classification (germline): Uncertain significance. Review status: criteria provided, multiple submitters, no conflicts (2 of 4 stars). 2 submissions from 2 submitters: Uncertain significance (2). Last evaluated 2025-07-02.

Conditions:
Familial temporal lobe epilepsy 8. Identifiers: Orphanet 101046, MedGen C4225318, MONDO:0014650, OMIM 616461.

Allele frequency attached by ClinVar (database versions not stated): TOPMed 0.00007.

Submissions (2):

Women's Health and Genetics/Laboratory Corporation of America, LabCorp
Classification: Uncertain significance. Last evaluated: 2025-07-02. Review status: criteria provided, single submitter. Criteria: LabCorp Variant Classification Summary - May 2015. Collection method: clinical testing. Allele origin: germline.
Comment: Variant summary: GAL c.316G>A (p.Asp106Asn) results in a conservative amino acid change in the encoded protein sequence. Algorithms developed to predict the effect of missense changes on protein structure and function all suggest that this variant is likely to be tolerated. The variant allele was found at a frequency of 7.6e-05 in 250866 control chromosomes. This frequency is not significantly higher than estimated for a pathogenic variant in GAL causing Familial Temporal Lobe Epilepsy 8, allowing no conclusion about variant significance. To our knowledge, no occurrence of c.316G>A in individuals affected with Familial Temporal Lobe Epilepsy 8 and no experimental evidence demonstrating its impact on protein function have been reported. ClinVar contains an entry for this variant (Variation ID: 864078). Based on the evidence outlined above, the variant was classified as uncertain significance.

Labcorp Genetics (formerly Invitae), Labcorp
Classification: Uncertain significance for Familial temporal lobe epilepsy 8. Last evaluated: 2022-07-06. Review status: criteria provided, single submitter. Criteria: Invitae Variant Classification Sherloc (09022015). Collection method: clinical testing. Allele origin: germline.
Comment: This sequence change replaces aspartic acid, which is acidic and polar, with asparagine, which is neutral and polar, at codon 106 of the GAL protein (p.Asp106Asn). This variant is present in population databases (rs375918368, gnomAD 0.01%). This variant has not been reported in the literature in individuals affected with GAL-related conditions. ClinVar contains an entry for this variant (Variation ID: 864078). Algorithms developed to predict the effect of missense changes on protein structure and function are either unavailable or do not agree on the potential impact of this missense change (SIFT: "Not Available"; PolyPhen-2: "Possibly Damaging"; Align-GVGD: "Not Available"). In summary, the available evidence is currently insufficient to determine the role of this variant in disease. Therefore, it has been classified as a Variant of Uncertain Significance.